The following is an entry in ClinVar:

ClinVar aggregate classification (germline): Pathogenic (1 of 4 stars; one submission).

Submission:

Labcorp Genetics (formerly Invitae), Labcorp
Classification: Pathogenic. Last evaluated: 2023-05-31. Review status: criteria provided, single submitter. Criteria: Invitae Variant Classification Sherloc (09022015). Collection method: clinical testing. Allele origin: germline.
Comment: This sequence change creates a premature translational stop signal (p.Arg417Serfs*34) in the COL27A1 gene. It is expected to result in an absent or disrupted protein product. Loss-of-function variants in COL27A1 are known to be pathogenic (PMID: 24986830, 28276056). This variant is present in population databases (no rsID available, gnomAD 0.0009%). This variant has not been reported in the literature in individuals affected with COL27A1-related conditions. For these reasons, this variant has been classified as Pathogenic.

Literature cited by the submitters: PubMed 24986830; PubMed 28276056.

NM_032888.4(COL27A1):c.1251_1252del (p.Arg417fs)

Gene: COL27A1 (collagen type XXVII alpha 1 chain; plus strand). Cytogenetic location: 9q32.
Variant type: Microsatellite.
Coding change: c.1251_1252del on transcript NM_032888.4 (MANE Select); coding-DNA positions 1251 to 1252, 2 bases deleted (AG; older notation c.1251_1252delAG).
Protein change: p.Arg417fs; shifts the reading frame from arginine 417.
Molecular consequence: frameshift variant.
Genome position (GRCh38, 1-based): chr9:114,168,806-114,168,807, AG deleted; deleting any 2 consecutive bases within chr9:114,168,804-114,168,807 gives the same sequence; the c. name uses the placement nearest the transcript's 3' end. VCF-style (leftmost placement, unchanged base first): chr9-114168803-CAG-C. GRCh37 (hg19) VCF-style: chr9-116931083-CAG-C.
Other names: short protein forms R417fs.
Identifiers: ClinVar variation 2752618 (VCV002752618.3), dbSNP rs1330961789, ClinGen allele CA590500099.